The following is an entry in ClinVar:

NM_000059.4(BRCA2):c.2755G>A (p.Glu919Lys)

Gene: BRCA2 (BRCA2 DNA repair associated; plus strand). Cytogenetic location: 13q13.1.
Variant type: single nucleotide variant.
Coding change: c.2755G>A on transcript NM_000059.4 (MANE Select); coding-DNA position 2755, G replaced by A.
Protein change: p.Glu919Lys; replaces glutamic acid 919 with lysine.
Molecular consequence: missense variant.
Genome position (GRCh38, 1-based): chr13:32,337,110, G>A. VCF-style: chr13-32337110-G-A. GRCh37 (hg19) VCF-style: chr13-32911247-G-A.
Other names: 2983G>A; short protein forms E919K.
Identifiers: ClinVar variation 96782 (VCV000096782.37), dbSNP rs431825298, ClinGen allele CA016270.

ClinVar aggregate classification (germline): Benign. Review status: reviewed by expert panel (3 of 4 stars). 15 submissions from 15 submitters: Benign (1). 14 of the submissions do not count toward it. Last evaluated 2019-06-18.

Conditions:
Hereditary breast ovarian cancer syndrome. Also called: BRCA1- and BRCA2-Associated Hereditary Breast and Ovarian Cancer; Hereditary breast and ovarian cancer syndrome; Breast and ovarian cancer; Hereditary breast and ovarian cancer syndrome (HBOC); Hereditary breast and ovarian cancer; Hereditary breast and/or ovarian cancer syndrome. Identifiers: Orphanet 145, MedGen C0677776, MeSH D061325, MONDO:0003582. Disease mechanism: loss of function.
BRCA2-related cancer predisposition. Identifiers: MedGen CN377758, MONDO:0700269.
Hereditary cancer-predisposing syndrome. Also called: Hereditary Cancer Syndrome; Hereditary neoplastic syndrome; Neoplastic Syndromes, Hereditary; Tumor predisposition. Identifiers: Orphanet 140162, MedGen C0027672, MeSH D009386, MONDO:0015356.
Breast-ovarian cancer, familial, susceptibility to, 2 (BROVCA2). Also called: BRCA2 Hereditary Breast and Ovarian Cancer. Identifiers: Orphanet 145, MedGen C2675520, MONDO:0012933, OMIM 612555. Disease mechanism: loss of function.

Allele frequency attached by ClinVar (database versions not stated): TOPMed below 0.00001; ExAC 0.00001; gnomAD 0.00001; gnomAD exomes 0.00001.
gnomAD v4.1: 13 of 1,613,576 alleles (0.00081%); highest among the groups gnomAD compares: East Asian, 0.0045%; no homozygotes.

Submissions (15):

Evidence-based Network for the Interpretation of Germline Mutant Alleles (ENIGMA)
Classification: Benign for Breast-ovarian cancer, familial, susceptibility to, 2. Last evaluated: 2019-06-18. Review status: reviewed by expert panel. Criteria: ENIGMA BRCA1/2 Classification Criteria (2017-06-29). Collection method: curation. Allele origin: germline.
Comment: IARC class based on posterior probability from multifactorial likelihood analysis, thresholds for class as per Plon et al. 2008 (PMID: 18951446). Class 1 based on posterior probability = 9.62E-06

Labcorp Genetics (formerly Invitae), Labcorp
Classification: Likely benign for Hereditary breast ovarian cancer syndrome. Last evaluated: 2026-01-19. Review status: criteria provided, single submitter. Criteria: Invitae Variant Classification Sherloc (09022015). Collection method: clinical testing. Allele origin: germline. Not counted in ClinVar's aggregate classification.

Blueprint Genetics
Classification: Likely benign. Last evaluated: 2024-10-29. Review status: criteria provided, single submitter. Criteria: ACMG Guidelines, 2015. Collection method: clinical testing. Allele origin: germline. Not counted in ClinVar's aggregate classification.

All of Us Research Program, National Institutes of Health
Classification: Uncertain significance for BRCA2-related cancer predisposition. Last evaluated: 2024-05-17. Review status: criteria provided, single submitter. Criteria: ACMG Guidelines, 2015. Collection method: clinical testing. Allele origin: germline. Inheritance: Autosomal dominant inheritance. Observed: 1 variant allele, 1 heterozygote. Not counted in ClinVar's aggregate classification.
Comment: This missense variant replaces glutamic acid with lysine at codon 919 of the BRCA2 protein. Computational prediction suggests that this variant may not impact protein structure and function (internally defined REVEL score threshold <= 0.5, PMID: 27666373). To our knowledge, functional studies have not been reported for this variant. This variant has been detected in a breast cancer case-control meta-analysis in 1/60463 cases and 0/53461 unaffected individuals (PMID: 33471991; Leiden Open Variation Database DB-ID BRCA2_002552) and reported in a suspected hereditary breast and ovarian cancer family (PMID: 22366370). A multifactorial analysis has reported segregation, tumor pathology, co-occurrence and family history likelihood ratios for pathogenicity of 0.0003, 1.1236, 1.0246 and 1.3654, respectively (PMID: 31131967). This variant has been identified in 3/250712 chromosomes in the general population by the Genome Aggregation Database (gnomAD). The available evidence is insufficient to determine the role of this variant in disease conclusively. Therefore, this variant is classified as a Variant of Uncertain Significance.

This study involves interpretation of variants in research participants for the purpose of population health screening. Participant phenotype was not available at the time of variant classification. Additional details can be found in publication PMID: 35346344, PMCID: PMC8962531

Ambry Genetics
Classification: Uncertain significance for Hereditary cancer-predisposing syndrome. Last evaluated: 2024-02-26. Review status: criteria provided, single submitter. Criteria: Ambry Variant Classification Scheme 2023. Collection method: clinical testing. Allele origin: germline. Not counted in ClinVar's aggregate classification.
Comment: The p.E919K variant (also known as c.2755G>A), located in coding exon 10 of the BRCA2 gene, results from a G to A substitution at nucleotide position 2755. The glutamic acid at codon 919 is replaced by lysine, an amino acid with similar properties. One study detected this alteration in a cohort of 167 Croatian women with personal and/or family history of breast and/or ovarian cancer (Levanat S et al. Gene, 2012 May;498:169-76). This alteration has also been detected in 1/1045 Italian breast and/or ovarian cancer patients (Zuntini R et al. Front Genet, 2018 Sep;9:378). This alteration was also classified as benign in a multifactorial model of variant interpretation that incorporates co-segregation, family history, co-occurrence, tumor pathology and case-control data (Parsons, MT et al. Hum Mutat 2019 Sep;40(9):1557-1578), This amino acid position is not well conserved in available vertebrate species. In addition, this alteration is predicted to be tolerated by in silico analysis. Since supporting evidence is limited at this time, the clinical significance of this alteration remains unclear.

Myriad Genetics, Inc.
Classification: Likely benign for Breast-ovarian cancer, familial, susceptibility to, 2. Last evaluated: 2023-11-20. Review status: criteria provided, single submitter. Criteria: Myriad Autosomal Dominant, Autosomal Recessive and X-Linked Classification Criteria (2023). Collection method: clinical testing. Allele origin: unknown. Not counted in ClinVar's aggregate classification.
Comment: This variant is considered likely benign. This variant is strongly associated with less severe personal and family histories of cancer, typical for individuals without pathogenic variants in this gene [PMID: 25085752].

Color Diagnostics, LLC DBA Color Health
Classification: Uncertain significance for Hereditary cancer-predisposing syndrome. Last evaluated: 2023-10-10. Review status: criteria provided, single submitter. Criteria: ACMG Guidelines, 2015. Collection method: clinical testing. Allele origin: germline. Not counted in ClinVar's aggregate classification.
Comment: This missense variant replaces glutamic acid with lysine at codon 919 of the BRCA2 protein. Computational prediction suggests that this variant may not impact protein structure and function (internally defined REVEL score threshold <= 0.5, PMID: 27666373). To our knowledge, functional studies have not been reported for this variant. This variant has been detected in a breast cancer case-control meta-analysis in 1/60463 cases and 0/53461 unaffected individuals (PMID: 33471991; Leiden Open Variation Database DB-ID BRCA2_002552) and reported in a suspected hereditary breast and ovarian cancer family (PMID: 22366370). A multifactorial analysis has reported segregation, tumor pathology, co-occurrence and family history likelihood ratios for pathogenicity of 0.0003, 1.1236, 1.0246 and 1.3654, respectively (PMID: 31131967). This variant has been identified in 3/250712 chromosomes in the general population by the Genome Aggregation Database (gnomAD). The available evidence is insufficient to determine the role of this variant in disease conclusively. Therefore, this variant is classified as a Variant of Uncertain Significance.

Mendelics
Classification: Benign for Breast-ovarian cancer, familial, susceptibility to, 2. Last evaluated: 2023-08-22. Review status: criteria provided, single submitter. Criteria: Mendelics Assertion Criteria 2019. Collection method: clinical testing. Allele origin: germline. Not counted in ClinVar's aggregate classification.

Women's Health and Genetics/Laboratory Corporation of America, LabCorp
Classification: Uncertain significance. Last evaluated: 2022-06-10. Review status: criteria provided, single submitter. Criteria: LabCorp Variant Classification Summary - May 2015. Collection method: clinical testing. Allele origin: germline. Not counted in ClinVar's aggregate classification.
Comment: Variant summary: BRCA2 c.2755G>A (p.Glu919Lys) results in a conservative amino acid change in the encoded protein sequence. Four of four in-silico tools predict a benign effect of the variant on protein function. The variant allele was found at a frequency of 1.2e-05 in 250712 control chromosomes (gnomAD). The available data on variant occurrences in the general population are insufficient to allow any conclusion about variant significance. c.2755G>A has been reported in the literature in several individuals affected with personal and/or family history of breast / ovarian cancer (Levanat_2012, Zuntini_2018, Scarpitta_2019, Yildiz Tacar_2020, Dorling_2021, Bandeira_2021). These reports do not provide unequivocal conclusions about association of the variant with Hereditary Breast and Ovarian Cancer Syndrome. Co-occurrences with other pathogenic variant(s) have been reported (CHEK2 c.1100delC (p.Thr367Metfs*15) in the LOVD database), providing supporting evidence for a benign role. To our knowledge, no experimental evidence demonstrating an impact on protein function has been reported. Seven submitters, including an expert panel (ENIGMA), have provided clinical-significance assessments for this variant in ClinVar after 2014 mostly without evidence for independent evaluation, and classified the variant as VUS (n=4), likely benign (n=2), while the expert panel called it benign (n=1). Based on the evidence outlined above, the variant was classified as uncertain significance.

GeneDx
Classification: Uncertain significance. Last evaluated: 2022-04-26. Review status: criteria provided, single submitter. Criteria: GeneDx Variant Classification Process June 2021. Collection method: clinical testing. Allele origin: germline. Affected: yes. Not counted in ClinVar's aggregate classification.
Comment: Observed in individuals with breast and/or ovarian cancer (Levanat 2012, Zuntini 2018, Yildiz Tacar 2020); Not observed at significant frequency in large population cohorts (gnomAD); In silico analysis supports that this missense variant has a deleterious effect on protein structure/function; Also known as 2983G>A; This variant is associated with the following publications: (PMID: 22366370, 23929434, 24504028, 30254663, 31131967, 32846166)

Quest Diagnostics Nichols Institute San Juan Capistrano
Classification: Likely benign. Last evaluated: 2020-09-04. Review status: criteria provided, single submitter. Criteria: Quest Diagnostics criteria. Collection method: clinical testing. Allele origin: unknown. Not counted in ClinVar's aggregate classification.

Department of Pathology and Laboratory Medicine, Sinai Health System
Classification: Uncertain significance for BRCA2-related cancer predisposition. Last evaluated: 2019-12-19. Review status: criteria provided, single submitter. Criteria: ACMG Guidelines, 2015. Collection method: clinical testing. Allele origin: germline. Not counted in ClinVar's aggregate classification.

Department of Medical and Surgical Sciences, University of Bologna
Classification: Benign for Breast-ovarian cancer, familial, susceptibility to, 2. Last evaluated: 2023-09-01. Review status: no assertion criteria provided. Collection method: clinical testing. Allele origin: germline. Affected: yes. Not counted in ClinVar's aggregate classification.
Comment: BP1(Strong)+BP5(Very Strong) according to ACMG/AMP classification guidelines specified for BRCA1 & BRCA2 (Classification Criteria V1.0.0 2023-09-08) (PMID: 38160042)

BRCAlab, Lund University
Classification: Benign for Breast-ovarian cancer, familial, susceptibility to, 2. Last evaluated: 2020-03-02. Review status: no assertion criteria provided. Collection method: clinical testing. Allele origin: germline. Affected: yes. Not counted in ClinVar's aggregate classification.

Sharing Clinical Reports Project (SCRP)
Classification: Uncertain significance for Breast-ovarian cancer, familial 2. Last evaluated: 2012-05-01. Review status: no assertion criteria provided. Collection method: clinical testing. Allele origin: germline. Not counted in ClinVar's aggregate classification.

Literature cited by the submitters: PubMed 31131967 (cited by 6 submitters); PubMed 22366370 (cited by 6 submitters); PubMed 33471991 (cited by 3 submitters); PubMed 24504028 (cited by Ambry Genetics and Quest Diagnostics Nichols Institute San Juan Capistrano); PubMed 30254663 (cited by 4 submitters); PubMed 32986223 (cited by Ambry Genetics and Women's Health and Genetics/Laboratory Corporation of America, LabCorp); PubMed 25085752 (cited by Myriad Genetics, Inc.); PubMed 31512090 (cited by Women's Health and Genetics/Laboratory Corporation of America, LabCorp); PubMed 32846166 (cited by Women's Health and Genetics/Laboratory Corporation of America, LabCorp); PubMed 23929434 (cited by Quest Diagnostics Nichols Institute San Juan Capistrano); PubMed 18844490 (cited by Quest Diagnostics Nichols Institute San Juan Capistrano).